The following is an entry in ClinVar:

ClinVar aggregate classification (germline): Pathogenic (1 of 4 stars; one submission).

Submission:

Labcorp Genetics (formerly Invitae), Labcorp
Classification: Pathogenic. Last evaluated: 2022-04-18. Review status: criteria provided, single submitter. Criteria: Invitae Variant Classification Sherloc (09022015). Collection method: clinical testing. Allele origin: germline.
Comment: This sequence change creates a premature translational stop signal (p.Ala23Glyfs*70) in the COL4A3 gene. It is expected to result in an absent or disrupted protein product. Loss-of-function variants in COL4A3 are known to be pathogenic (PMID: 8956999, 24854265, 26809805, 27281700). This variant is not present in population databases (gnomAD no frequency). This variant has not been reported in the literature in individuals affected with COL4A3-related conditions. For these reasons, this variant has been classified as Pathogenic.

Literature cited by the submitters: PubMed 8956999; PubMed 24854265; PubMed 26809805; PubMed 27281700.

NM_000091.5(COL4A3):c.68del (p.Ala23fs)

Genes: COL4A3 (collagen type IV alpha 3 chain; plus strand), LOC129935730 (ATAC-STARR-seq lymphoblastoid silent region 12397; plus strand). Cytogenetic location: 2q36.3.
Variant type: Deletion.
Coding change: c.68del on transcript NM_000091.5 (MANE Select); coding-DNA position 68, one base deleted (C; older notation c.68delC).
Protein change: p.Ala23fs; shifts the reading frame from alanine 23.
Molecular consequence: frameshift variant.
Genome position (GRCh38, 1-based): chr2:227,164,794, C deleted. VCF-style (leftmost placement, unchanged base first): chr2-227164793-GC-G. GRCh37 (hg19) VCF-style: chr2-228029509-GC-G.
Other names: short protein forms A23fs.
Identifiers: ClinVar variation 2125295 (VCV002125295.4), dbSNP rs2478217713, ClinGen allele CA2580065859.
Genomic context (GRCh38, chr2:227,164,793, plus strand): 5'-GCCCGGACCGCCCCCAGGCCGCAGGTGCTCCTGCTGCCGCTCCTGCTGGTGCTCCTGGCG[GC>G]GGCGCCCGCAGCCAGCAAGGTGAGTGGGGGCTGCGCGACCCCCACCCCCGCACTTCCATC-3'